The following is an entry in ClinVar:

ClinVar aggregate classification (germline): Likely benign (1 of 4 stars; one submission).

Allele frequency attached by ClinVar (database versions not stated): gnomAD exomes 0.00001; ExAC 0.00005; gnomAD 0.00011; TOPMed 0.00017; ESP Exome Variant Server 0.00019.
gnomAD v4.1: 25 of 1,209,707 alleles (0.0021%); highest among the groups gnomAD compares: African/African-American, 0.033%; no homozygotes.

Submission:

CeGaT Center for Human Genetics Tuebingen
Classification: Likely benign. Last evaluated: 2022-12-01. Review status: criteria provided, single submitter. Criteria: CeGaT Center For Human Genetics Tuebingen Variant Classification Criteria Version 2. Collection method: clinical testing. Allele origin: germline. Affected: yes. Observed: 1 variant allele.
Comment: GRPR: BP4, BP7

NM_005314.3(GRPR):c.903T>C (p.Phe301=)

Gene: GRPR (gastrin releasing peptide receptor; plus strand). Cytogenetic location: Xp22.2.
Variant type: single nucleotide variant.
Coding change: c.903T>C on transcript NM_005314.3 (MANE Select); coding-DNA position 903, T replaced by C.
Protein change: p.Phe301=; no amino-acid change (phenylalanine 301 retained).
Molecular consequence: synonymous variant.
Genome position (GRCh38, 1-based): chrX:16,152,393, T>C. VCF-style: chrX-16152393-T-C. GRCh37 (hg19) VCF-style: chrX-16170516-T-C.
Identifiers: ClinVar variation 2660062 (VCV002660062.24), dbSNP rs138384902, ClinGen allele CA10356608.